The following is an entry in ClinVar:

NM_001429.4(EP300):c.1595T>C (p.Met532Thr)

Gene: EP300 (E1A binding protein p300; plus strand). Cytogenetic location: 22q13.2.
Variant type: single nucleotide variant.
Coding change: c.1595T>C on transcript NM_001429.4 (MANE Select); coding-DNA position 1595, T replaced by C.
Protein change: p.Met532Thr; replaces methionine 532 with threonine.
Molecular consequence: missense variant.
Genome position (GRCh38, 1-based): chr22:41,135,879, T>C. VCF-style: chr22-41135879-T-C. GRCh37 (hg19) VCF-style: chr22-41531883-T-C.
Other names: c.1595T>C, p.Met532Thr (NM_001362843.2); short protein forms M532T.
Identifiers: ClinVar variation 1314141 (VCV001314141.2), dbSNP rs774952188, ClinGen allele CA10252558.

ClinVar aggregate classification (germline): Uncertain significance (1 of 4 stars; one submission).

Allele frequency attached by ClinVar (database versions not stated): gnomAD exomes below 0.00001; ExAC 0.00001.
gnomAD v4.1: 1 of 1,614,082 alleles (0.000062%); highest among the groups gnomAD compares: Non-Finnish European, 0.000085%; no homozygotes.

Submission:

GeneDx
Classification: Uncertain significance. Last evaluated: 2021-03-05. Review status: criteria provided, single submitter. Criteria: GeneDx Variant Classification Process June 2021. Collection method: clinical testing. Allele origin: germline. Affected: yes.
Comment: In silico analysis supports that this missense variant does not alter protein structure/function; Has not been previously published as pathogenic or benign to our knowledge